The following is an entry in ClinVar:

ClinVar aggregate classification (germline): Uncertain significance (1 of 4 stars; one submission).

Allele frequency attached by ClinVar (database versions not stated): gnomAD exomes below 0.00001; gnomAD 0.00001; TOPMed 0.00001.
gnomAD v4.1: 5 of 1,614,040 alleles (0.00031%); highest among the groups gnomAD compares: Admixed American, 0.0033%; no homozygotes.

Submission:

Labcorp Genetics (formerly Invitae), Labcorp
Classification: Uncertain significance. Last evaluated: 2023-12-10. Review status: criteria provided, single submitter. Criteria: Invitae Variant Classification Sherloc (09022015). Collection method: clinical testing. Allele origin: germline.
Comment: This sequence change replaces aspartic acid, which is acidic and polar, with asparagine, which is neutral and polar, at codon 29 of the REST protein (p.Asp29Asn). This variant is not present in population databases (gnomAD no frequency). This variant has not been reported in the literature in individuals affected with REST-related conditions. ClinVar contains an entry for this variant (Variation ID: 2179312). An algorithm developed to predict the effect of missense changes on protein structure and function (PolyPhen-2) suggests that this variant is likely to be disruptive. In summary, the available evidence is currently insufficient to determine the role of this variant in disease. Therefore, it has been classified as a Variant of Uncertain Significance.

NM_005612.5(REST):c.85G>A (p.Asp29Asn)

Gene: REST (RE1 silencing transcription factor; plus strand). Cytogenetic location: 4q12.
Variant type: single nucleotide variant.
Coding change: c.85G>A on transcript NM_005612.5 (MANE Select); coding-DNA position 85, G replaced by A.
Protein change: p.Asp29Asn; replaces aspartic acid 29 with asparagine.
Molecular consequence: missense variant.
Genome position (GRCh38, 1-based): chr4:56,910,723, G>A. VCF-style: chr4-56910723-G-A. GRCh37 (hg19) VCF-style: chr4-57776889-G-A.
Other names: c.85G>A, p.Asp29Asn (NM_001193508.2, NM_001363453.3); short protein forms D29N.
Identifiers: ClinVar variation 2179312 (VCV002179312.4), dbSNP rs948833888, ClinGen allele CA97629386.